The following is an entry in ClinVar:

ClinVar aggregate classification (germline): Uncertain significance (1 of 4 stars; one submission).

Conditions:
Rhabdoid tumor predisposition syndrome 2 (RTPS2). Identifiers: Orphanet 231108, Orphanet 69077, MedGen C2750074, MONDO:0013224, OMIM 613325.

Submission:

Labcorp Genetics (formerly Invitae), Labcorp
Classification: Uncertain significance for Rhabdoid tumor predisposition syndrome 2. Last evaluated: 2020-11-16. Review status: criteria provided, single submitter. Criteria: Invitae Variant Classification Sherloc (09022015). Collection method: clinical testing. Allele origin: germline.
Comment: In summary, the available evidence is currently insufficient to determine the role of this variant in disease. Therefore, it has been classified as a Variant of Uncertain Significance. Algorithms developed to predict the effect of missense changes on protein structure and function are either unavailable or do not agree on the potential impact of this missense change (SIFT: "Deleterious"; PolyPhen-2: "Probably Damaging"; Align-GVGD: "Class C0"). This sequence change replaces glutamine with arginine at codon 445 of the SMARCA4 protein (p.Gln445Arg). The glutamine residue is highly conserved and there is a small physicochemical difference between glutamine and arginine. This variant is not present in population databases (ExAC no frequency). This variant has not been reported in the literature in individuals with SMARCA4-related conditions.

NM_003072.5(SMARCA4):c.1334A>G (p.Gln445Arg)

Gene: SMARCA4 (SWI/SNF related BAF chromatin remodeling complex subunit ATPase 4; plus strand). Cytogenetic location: 19p13.2.
Variant type: single nucleotide variant.
Coding change: c.1334A>G on transcript NM_003072.5 (MANE Select); coding-DNA position 1334, A replaced by G.
Protein change: p.Gln445Arg; replaces glutamine 445 with arginine.
Molecular consequence: missense variant. On other transcripts: non-coding transcript variant (1).
Genome position (GRCh38, 1-based): chr19:10,991,238, A>G. VCF-style: chr19-10991238-A-G. GRCh37 (hg19) VCF-style: chr19-11101914-A-G.
Other names: c.1334A>G, p.Gln445Arg (NM_001128844.3, NM_001128845.2, NM_001128846.2 and 4 more transcripts); short protein forms Q445R.
Identifiers: ClinVar variation 1026706 (VCV001026706.8), dbSNP rs2086532633, ClinGen allele CA404060811.